The following is an entry in ClinVar:

NM_000455.5(STK11):c.766G>C (p.Glu256Gln)

Gene: STK11 (serine/threonine kinase 11; plus strand). Cytogenetic location: 19p13.3.
Variant type: single nucleotide variant.
Coding change: c.766G>C on transcript NM_000455.5 (MANE Select); coding-DNA position 766, G replaced by C.
Protein change: p.Glu256Gln; replaces glutamic acid 256 with glutamine.
Molecular consequence: missense variant. On other transcripts: non-coding transcript variant (1).
Genome position (GRCh38, 1-based): chr19:1,221,244, G>C. VCF-style: chr19-1221244-G-C. GRCh37 (hg19) VCF-style: chr19-1221243-G-C.
Other names: c.766G>C, p.Glu256Gln (NM_001407255.1); short protein forms E256Q.
Identifiers: ClinVar variation 2831821 (VCV002831821.3), dbSNP rs1057520606, ClinGen allele CA402950418.

ClinVar aggregate classification (germline): Uncertain significance (1 of 4 stars; one submission).

Conditions:
Peutz-Jeghers syndrome (PJS). Also called: POLYPOSIS, HAMARTOMATOUS INTESTINAL; POLYPS-AND-SPOTS SYNDROME; Peutz-Jeghers polyposis; Periorificial lentiginosis syndrome. Identifiers: Orphanet 2869, MedGen C0031269, MeSH D010580, MONDO:0008280, OMIM 175200.

Submission:

Labcorp Genetics (formerly Invitae), Labcorp
Classification: Uncertain significance for Peutz-Jeghers syndrome. Last evaluated: 2023-01-25. Review status: criteria provided, single submitter. Criteria: Invitae Variant Classification Sherloc (09022015). Collection method: clinical testing. Allele origin: germline.
Comment: This sequence change replaces glutamic acid, which is acidic and polar, with glutamine, which is neutral and polar, at codon 256 of the STK11 protein (p.Glu256Gln). This variant is not present in population databases (gnomAD no frequency). This variant has not been reported in the literature in individuals affected with STK11-related conditions. Algorithms developed to predict the effect of missense changes on protein structure and function (SIFT, PolyPhen-2, Align-GVGD) all suggest that this variant is likely to be disruptive. In summary, the available evidence is currently insufficient to determine the role of this variant in disease. Therefore, it has been classified as a Variant of Uncertain Significance.